The following is an entry in ClinVar:

ClinVar aggregate classification (germline): Uncertain significance. Review status: criteria provided, multiple submitters, no conflicts (2 of 4 stars). 2 submissions from 2 submitters: Uncertain significance (2). Last evaluated 2025-08-26.

gnomAD v4.1: 40 of 1,613,224 alleles (0.0025%); highest among the groups gnomAD compares: African/African-American, 0.0027%; no homozygotes.

Submissions (2):

Ambry Genetics
Classification: Uncertain significance. Last evaluated: 2025-08-26. Review status: criteria provided, single submitter. Criteria: Ambry Variant Classification Scheme 2023. Collection method: clinical testing. Allele origin: germline.

Labcorp Genetics (formerly Invitae), Labcorp
Classification: Uncertain significance. Last evaluated: 2025-01-25. Review status: criteria provided, single submitter. Criteria: Invitae Variant Classification Sherloc (09022015). Collection method: clinical testing. Allele origin: germline.
Comment: This sequence change replaces proline, which is neutral and non-polar, with leucine, which is neutral and non-polar, at codon 787 of the MICAL1 protein (p.Pro787Leu). This variant is present in population databases (rs770312041, gnomAD 0.009%). This variant has not been reported in the literature in individuals affected with MICAL1-related conditions. ClinVar contains an entry for this variant (Variation ID: 2418155). An algorithm developed to predict the effect of missense changes on protein structure and function outputs the following: PolyPhen-2: "Benign". The leucine amino acid residue is found in multiple mammalian species, which suggests that this missense change does not adversely affect protein function. In summary, the available evidence is currently insufficient to determine the role of this variant in disease. Therefore, it has been classified as a Variant of Uncertain Significance.

NM_022765.4(MICAL1):c.2303C>T (p.Pro768Leu)

Gene: MICAL1 (microtubule associated monooxygenase, calponin and LIM domain containing 1; minus strand). Cytogenetic location: 6q21.
Variant type: single nucleotide variant.
Coding change: c.2303C>T on transcript NM_022765.4 (MANE Select); coding-DNA position 2303, C replaced by T.
Protein change: p.Pro768Leu; replaces proline 768 with leucine.
Molecular consequence: missense variant.
Genome position (GRCh38, 1-based): chr6:109,446,697, G>A on the plus strand (C>T on the coding strand, the complement: MICAL1 is on the minus strand). VCF-style: chr6-109446697-G-A. GRCh37 (hg19) VCF-style: chr6-109767900-G-A.
Other names: c.2045C>T, p.Pro682Leu (NM_001159291.2); c.2360C>T, p.Pro787Leu (NM_001286613.2); c.2303C>T (NM_022765.3); short protein forms P682L, P768L, P787L.
Identifiers: ClinVar variation 2418155 (VCV002418155.7), dbSNP rs770312041, ClinGen allele CA3952982.